The following is an entry in ClinVar:

NM_015338.6(ASXL1):c.1895G>A (p.Cys632Tyr)

Gene: ASXL1 (ASXL transcriptional regulator 1; plus strand). Cytogenetic location: 20q11.21.
Variant type: single nucleotide variant.
Coding change: c.1895G>A on transcript NM_015338.6 (MANE Select); coding-DNA position 1895, G replaced by A.
Protein change: p.Cys632Tyr; replaces cysteine 632 with tyrosine.
Molecular consequence: missense variant.
Genome position (GRCh38, 1-based): chr20:32,434,607, G>A. VCF-style: chr20-32434607-G-A. GRCh37 (hg19) VCF-style: chr20-31022410-G-A.
Other names: c.1712G>A, p.Cys571Tyr (NM_001363734.1); short protein forms C632Y, C571Y.
Identifiers: ClinVar variation 2101107 (VCV002101107.5), dbSNP rs930925893, ClinGen allele CA313926274.

ClinVar aggregate classification (germline): Uncertain significance. Review status: criteria provided, multiple submitters, no conflicts (2 of 4 stars). 2 submissions from 2 submitters: Uncertain significance (2). Last evaluated 2025-07-28.

Conditions:
Inborn genetic diseases. Identifiers: MedGen C0950123, MeSH D030342.

Allele frequency attached by ClinVar (database versions not stated): gnomAD exomes below 0.00001; gnomAD 0.00001; TOPMed 0.00001.
gnomAD v4.1: 4 of 1,611,484 alleles (0.00025%); highest among the groups gnomAD compares: African/African-American, 0.004%; no homozygotes.

Submissions (2):

Ambry Genetics
Classification: Uncertain significance for Inborn genetic diseases. Last evaluated: 2025-07-28. Review status: criteria provided, single submitter. Criteria: Ambry Variant Classification Scheme 2023. Collection method: clinical testing. Allele origin: germline.
Comment: The p.C632Y variant (also known as c.1895G>A), located in coding exon 13 of the ASXL1 gene, results from a G to A substitution at nucleotide position 1895. The cysteine at codon 632 is replaced by tyrosine, an amino acid with highly dissimilar properties. This amino acid position is conserved. In addition, this alteration is predicted to be tolerated by in silico analysis. Based on the available evidence, the clinical significance of this variant remains unclear.

Labcorp Genetics (formerly Invitae), Labcorp
Classification: Uncertain significance. Last evaluated: 2022-03-29. Review status: criteria provided, single submitter. Criteria: Invitae Variant Classification Sherloc (09022015). Collection method: clinical testing. Allele origin: germline.
Comment: In summary, the available evidence is currently insufficient to determine the role of this variant in disease. Therefore, it has been classified as a Variant of Uncertain Significance. Algorithms developed to predict the effect of missense changes on protein structure and function are either unavailable or do not agree on the potential impact of this missense change (SIFT: "Deleterious"; PolyPhen-2: "Possibly Damaging"; Align-GVGD: "Class C0"). This variant has not been reported in the literature in individuals affected with ASXL1-related conditions. This variant is present in population databases (no rsID available, gnomAD 0.007%). This sequence change replaces cysteine, which is neutral and slightly polar, with tyrosine, which is neutral and polar, at codon 632 of the ASXL1 protein (p.Cys632Tyr).